The following is an entry in ClinVar:

NM_020693.4(DSCAML1):c.4772A>T (p.Lys1591Met)

Gene: DSCAML1 (DS cell adhesion molecule like 1; minus strand). Cytogenetic location: 11q23.3.
Variant type: single nucleotide variant.
Coding change: c.4772A>T on transcript NM_020693.4 (MANE Select); coding-DNA position 4772, A replaced by T.
Protein change: p.Lys1591Met; replaces lysine 1591 with methionine.
Molecular consequence: missense variant.
Genome position (GRCh38, 1-based): chr11:117,435,748, T>A on the plus strand (A>T on the coding strand, the complement: DSCAML1 is on the minus strand). VCF-style: chr11-117435748-T-A. GRCh37 (hg19) VCF-style: chr11-117306464-T-A.
Other names: short protein forms K1591M.
Identifiers: ClinVar variation 1939155 (VCV001939155.5), dbSNP rs1254577793, ClinGen allele CA382757078.

ClinVar aggregate classification (germline): Uncertain significance (1 of 4 stars; one submission).

gnomAD v4.1: 1 of 1,613,572 alleles (0.000062%); no homozygotes.

Submission:

Labcorp Genetics (formerly Invitae), Labcorp
Classification: Uncertain significance. Last evaluated: 2022-07-29. Review status: criteria provided, single submitter. Criteria: Invitae Variant Classification Sherloc (09022015). Collection method: clinical testing. Allele origin: germline.
Comment: This sequence change replaces lysine, which is basic and polar, with methionine, which is neutral and non-polar, at codon 1651 of the DSCAML1 protein (p.Lys1651Met). This variant is present in population databases (no rsID available, gnomAD 0.003%). This variant has not been reported in the literature in individuals affected with DSCAML1-related conditions. Algorithms developed to predict the effect of missense changes on protein structure and function are either unavailable or do not agree on the potential impact of this missense change (SIFT: "Deleterious"; PolyPhen-2: "Benign"; Align-GVGD: "Class C0"). In summary, the available evidence is currently insufficient to determine the role of this variant in disease. Therefore, it has been classified as a Variant of Uncertain Significance.